The following is an entry in ClinVar:

ClinVar aggregate classification (germline): Uncertain significance (1 of 4 stars; one submission).

Conditions:
Vici syndrome (VICIS). Identifiers: Orphanet 1493, MedGen C1855772, MONDO:0009452, OMIM 242840.

Submission:

Labcorp Genetics (formerly Invitae), Labcorp
Classification: Uncertain significance for Vici syndrome. Last evaluated: 2021-08-27. Review status: criteria provided, single submitter. Criteria: Invitae Variant Classification Sherloc (09022015). Collection method: clinical testing. Allele origin: germline.
Comment: This sequence change replaces threonine with isoleucine at codon 1534 of the EPG5 protein (p.Thr1534Ile). The threonine residue is moderately conserved and there is a moderate physicochemical difference between threonine and isoleucine. This variant is not present in population databases (ExAC no frequency). This variant has not been reported in the literature in individuals affected with EPG5-related conditions. Algorithms developed to predict the effect of missense changes on protein structure and function output the following: SIFT: "Tolerated"; PolyPhen-2: "Benign"; Align-GVGD: "Class C0". The isoleucine amino acid residue is found in multiple mammalian species, which suggests that this missense change does not adversely affect protein function. In summary, the available evidence is currently insufficient to determine the role of this variant in disease. Therefore, it has been classified as a Variant of Uncertain Significance.

NM_020964.3(EPG5):c.4601C>T (p.Thr1534Ile)

Gene: EPG5 (ectopic P-granules 5 autophagy tethering factor; minus strand). Cytogenetic location: 18q21.1.
Variant type: single nucleotide variant.
Coding change: c.4601C>T on transcript NM_020964.3 (MANE Select); coding-DNA position 4601, C replaced by T.
Protein change: p.Thr1534Ile; replaces threonine 1534 with isoleucine.
Molecular consequence: missense variant.
Genome position (GRCh38, 1-based): chr18:45,901,041, G>A on the plus strand (C>T on the coding strand, the complement: EPG5 is on the minus strand). VCF-style: chr18-45901041-G-A. GRCh37 (hg19) VCF-style: chr18-43481006-G-A.
Other names: c.4601C>T, p.Thr1534Ile (LRG_1234t1); short protein forms T1534I.
Identifiers: ClinVar variation 659054 (VCV000659054.7), dbSNP rs1599529163, ClinGen allele CA402337528.